The following is an entry in ClinVar:

ClinVar aggregate classification (germline): Conflicting classifications of pathogenicity. Review status: criteria provided, conflicting classifications (1 of 4 stars). 3 submissions from 3 submitters: Uncertain significance (1); Likely benign (2). Last evaluated 2026-03-01.

Allele frequency attached by ClinVar (database versions not stated): gnomAD 0.00004 and 0.00005; TOPMed 0.00005; ESP Exome Variant Server 0.00008.
gnomAD v4.1: 110 of 1,560,624 alleles (0.007%); highest among the groups gnomAD compares: Non-Finnish European, 0.0085%; no homozygotes.

Submissions (3):

CeGaT Center for Human Genetics Tuebingen
Classification: Likely benign. Last evaluated: 2026-03-01. Review status: criteria provided, single submitter. Criteria: CeGaT Center For Human Genetics Tuebingen Variant Classification Criteria Version 2. Collection method: clinical testing. Allele origin: germline. Affected: yes. Observed: 1 variant allele.
Comment: GATAD2B: BS2

Labcorp Genetics (formerly Invitae), Labcorp
Classification: Uncertain significance. Last evaluated: 2025-12-26. Review status: criteria provided, single submitter. Criteria: Invitae Variant Classification Sherloc (09022015). Collection method: clinical testing. Allele origin: germline.
Comment: This sequence change replaces proline, which is neutral and non-polar, with leucine, which is neutral and non-polar, at codon 300 of the GATAD2B protein (p.Pro300Leu). The frequency data for this variant in the population databases is considered unreliable, as metrics indicate poor data quality at this position in the gnomAD database. This variant has not been reported in the literature in individuals affected with GATAD2B-related conditions. ClinVar contains an entry for this variant (Variation ID: 1465509). An algorithm developed to predict the effect of missense changes on protein structure and function (PolyPhen-2) suggests that this variant is likely to be tolerated. In summary, the available evidence is currently insufficient to determine the role of this variant in disease. Therefore, it has been classified as a Variant of Uncertain Significance.

Blueprint Genetics
Classification: Likely benign. Last evaluated: 2022-02-11. Review status: criteria provided, single submitter. Criteria: ACMG Guidelines, 2015. Collection method: clinical testing. Allele origin: germline.

NM_020699.4(GATAD2B):c.899C>T (p.Pro300Leu)

Gene: GATAD2B (GATA zinc finger domain containing 2B; minus strand). Cytogenetic location: 1q21.3.
Variant type: single nucleotide variant.
Coding change: c.899C>T on transcript NM_020699.4 (MANE Select); coding-DNA position 899, C replaced by T.
Protein change: p.Pro300Leu; replaces proline 300 with leucine.
Molecular consequence: missense variant.
Genome position (GRCh38, 1-based): chr1:153,817,373, G>A on the plus strand (C>T on the coding strand, the complement: GATAD2B is on the minus strand). VCF-style: chr1-153817373-G-A. GRCh37 (hg19) VCF-style: chr1-153789849-G-A.
Other names: short protein forms P300L.
Identifiers: ClinVar variation 1465509 (VCV001465509.11), dbSNP rs370155105, ClinGen allele CA1120749.